The following is an entry in ClinVar:

ClinVar aggregate classification (germline): Conflicting classifications of pathogenicity. Review status: criteria provided, conflicting classifications (1 of 4 stars). 5 submissions from 5 submitters: Uncertain significance (4); Likely benign (1). Last evaluated 2025-11-18.

Conditions:
POLD1-related polyposis and colorectal cancer syndrome (CRCS10). Also called: Colorectal cancer 10; COLORECTAL CANCER, SUSCEPTIBILITY TO, ON CHROMOSOME 19q; Colorectal cancer, susceptibility to, 10. Identifiers: Orphanet 220460, MedGen C2675481, MONDO:0012953, OMIM 612591.
Mandibular hypoplasia-deafness-progeroid syndrome. Also called: Mandibular hypoplasia, deafness, progeroid features, and lipodystrophy syndrome. Identifiers: Orphanet 363649, MedGen C3715192, MONDO:0014157, OMIM 615381.
Hereditary cancer-predisposing syndrome. Also called: Tumor predisposition; Neoplastic Syndromes, Hereditary; Hereditary Cancer Syndrome; Hereditary neoplastic syndrome. Identifiers: Orphanet 140162, MedGen C0027672, MeSH D009386, MONDO:0015356.

Allele frequency attached by ClinVar (database versions not stated): gnomAD exomes below 0.00001; ExAC 0.00001.
gnomAD v4.1: 22 of 1,592,620 alleles (0.0014%); highest among the groups gnomAD compares: South Asian, 0.0046%; no homozygotes.

Submissions (5):

Labcorp Genetics (formerly Invitae), Labcorp
Classification: Uncertain significance for POLD1-related polyposis and colorectal cancer syndrome. Last evaluated: 2025-11-18. Review status: criteria provided, single submitter. Criteria: Invitae Variant Classification Sherloc (09022015). Collection method: clinical testing. Allele origin: germline.
Comment: This sequence change replaces proline, which is neutral and non-polar, with leucine, which is neutral and non-polar, at codon 208 of the POLD1 protein (p.Pro208Leu). The frequency data for this variant in the population databases is considered unreliable, as metrics indicate poor data quality at this position in the gnomAD database. This variant has not been reported in the literature in individuals affected with POLD1-related conditions. ClinVar contains an entry for this variant (Variation ID: 537100). Invitae Evidence Modeling of protein sequence and biophysical properties (such as structural, functional, and spatial information, amino acid conservation, physicochemical variation, residue mobility, and thermodynamic stability) indicates that this missense variant is not expected to disrupt POLD1 protein function with a negative predictive value of 80%. In summary, the available evidence is currently insufficient to determine the role of this variant in disease. Therefore, it has been classified as a Variant of Uncertain Significance.

Center for Genomic Medicine, Rigshospitalet, Copenhagen University Hospital
Classification: Uncertain significance. Last evaluated: 2025-03-04. Review status: criteria provided, single submitter. Criteria: ACMG Guidelines, 2015. Collection method: clinical testing. Allele origin: germline.

Ambry Genetics
Classification: Likely benign for Hereditary cancer-predisposing syndrome. Last evaluated: 2024-12-19. Review status: criteria provided, single submitter. Criteria: Ambry Variant Classification Scheme 2023. Collection method: clinical testing. Allele origin: germline.

GeneDx
Classification: Uncertain significance. Last evaluated: 2024-11-22. Review status: criteria provided, single submitter. Criteria: GeneDx Variant Classification Process June 2021. Collection method: clinical testing. Allele origin: germline. Affected: yes.
Comment: Not observed at significant frequency in large population cohorts (gnomAD); In silico analysis supports that this missense variant has a deleterious effect on protein structure/function; Has not been previously published as pathogenic or benign to our knowledge; This variant is associated with the following publications: (PMID: 29056344)

St. Jude Molecular Pathology, St. Jude Children's Research Hospital
Classification: Uncertain significance for POLD1-related polyposis and colorectal cancer syndrome. Last evaluated: 2022-05-04. Review status: criteria provided, single submitter. Criteria: St. Jude Assertion Criteria 2020. Collection method: clinical testing. Allele origin: germline.
Comment: The POLD1 c.623C>T (p.Pro208Leu) missense change has a maximum subpopulation frequency of 0.00095% in gnomAD v2.1.1 (PM2_supporting). It is predicted to have a benign effect on protein function (BP4), but to our knowledge this prediction has not been confirmed by functional studies. This variant has been reported in four tumors with a high tumor mutational burden and one tumor with a low tumor mutational burden (PMID: 29056344). To our knowledge, this variant has not been reported in the literature in individuals with POLD1-related disease. In summary, this variant meets criteria to be classified as of uncertain significance based on the ACMG/AMP criteria: PM2_supporting, BP4.

NM_002691.4(POLD1):c.623C>T (p.Pro208Leu)

Gene: POLD1 (DNA polymerase delta 1, catalytic subunit; plus strand). Cytogenetic location: 19q13.33.
Variant type: single nucleotide variant.
Coding change: c.623C>T on transcript NM_002691.4 (MANE Select); coding-DNA position 623, C replaced by T.
Protein change: p.Pro208Leu; replaces proline 208 with leucine.
Molecular consequence: missense variant. On other transcripts: non-coding transcript variant (1).
Genome position (GRCh38, 1-based): chr19:50,402,238, C>T. VCF-style: chr19-50402238-C-T. GRCh37 (hg19) VCF-style: chr19-50905495-C-T.
Other names: c.623C>T, p.Pro208Leu (NM_001256849.1, NM_001308632.1); c.623C>T (NM_002691.2); short protein forms P208L.
Identifiers: ClinVar variation 537100 (VCV000537100.23), dbSNP rs774030917, ClinGen allele CA9595838.